The following is an entry in ClinVar:

ClinVar aggregate classification (germline): Likely pathogenic (1 of 4 stars; one submission).

Conditions:
Muscular dystrophy, congenital, with cataracts and impaired intellectual development. Also called: Congenital muscular dystrophy with cataracts and intellectual disability. Identifiers: Orphanet 662184, MedGen C4479410, MONDO:0024607, OMIM 617404.

Allele frequency attached by ClinVar (database versions not stated): TOPMed below 0.00001.
gnomAD v4.1: 2 of 1,613,582 alleles (0.00012%); highest among the groups gnomAD compares: Admixed American, 0.0033%; no homozygotes.

Submission:

Genetics Laboratory, UDIAT-Centre Diagnòstic, Hospital Universitari Parc Tauli
Classification: Likely pathogenic for Muscular dystrophy, congenital, with cataracts and impaired intellectual development. Last evaluated: 2022-10-04. Review status: criteria provided, single submitter. Criteria: Parc Tauli Hospital Assertion Criteria 2021. Collection method: clinical testing. Allele origin: paternal. Inheritance: Autosomal recessive inheritance. Affected: yes.
Comment: PM2_supporting;PM3;PP3

NM_016532.4(INPP5K):c.653G>A (p.Trp218Ter)

Gene: INPP5K (inositol polyphosphate-5-phosphatase K; minus strand). Cytogenetic location: 17p13.3.
Variant type: single nucleotide variant.
Coding change: c.653G>A on transcript NM_016532.4 (MANE Select); coding-DNA position 653, G replaced by A.
Protein change: p.Trp218Ter; replaces tryptophan 218 with a stop codon.
Molecular consequence: nonsense.
Genome position (GRCh38, 1-based): chr17:1,508,128, C>T on the plus strand (G>A on the coding strand, the complement: INPP5K is on the minus strand). VCF-style: chr17-1508128-C-T. GRCh37 (hg19) VCF-style: chr17-1411422-C-T.
Other names: c.425G>A, p.Trp142Ter (NM_001135642.2, NM_130766.3); short protein forms W142*, W218*.
Identifiers: ClinVar variation 1708251 (VCV001708251.2), dbSNP rs2075207934, ClinGen allele CA397543831.